The following is an entry in ClinVar:

ClinVar aggregate classification (germline): Uncertain significance. Review status: criteria provided, multiple submitters, no conflicts (2 of 4 stars). 2 submissions from 2 submitters: Uncertain significance (2). Last evaluated 2026-04-13.

Conditions:
Retinoblastoma (RB1). Also called: RETINOBLASTOMA, SOMATIC. Identifiers: Orphanet 790, MedGen C0035335, MeSH D012175, MONDO:0008380, OMIM 180200, HP:0009919. Disease mechanism: loss of function. Inheritance: Both sporadic and heritable forms are tested..
Hereditary cancer-predisposing syndrome. Also called: Tumor predisposition; Hereditary Cancer Syndrome; Hereditary neoplastic syndrome; Neoplastic Syndromes, Hereditary. Identifiers: Orphanet 140162, MedGen C0027672, MeSH D009386, MONDO:0015356.

Submissions (2):

Ambry Genetics
Classification: Uncertain significance for Hereditary cancer-predisposing syndrome. Last evaluated: 2026-04-13. Review status: criteria provided, single submitter. Criteria: Ambry Variant Classification Scheme 2023. Collection method: clinical testing. Allele origin: germline.
Comment: The p.F336C variant (also known as c.1007T>G), located in coding exon 10 of the RB1 gene, results from a T to G substitution at nucleotide position 1007. The phenylalanine at codon 336 is replaced by cysteine, an amino acid with highly dissimilar properties. This amino acid position is highly conserved in available vertebrate species. In addition, this alteration is predicted to be deleterious by in silico analysis. Based on the available evidence, the clinical significance of this variant remains unclear.

Labcorp Genetics (formerly Invitae), Labcorp
Classification: Uncertain significance for Retinoblastoma. Last evaluated: 2022-11-10. Review status: criteria provided, single submitter. Criteria: Invitae Variant Classification Sherloc (09022015). Collection method: clinical testing. Allele origin: germline.
Comment: This sequence change replaces phenylalanine, which is neutral and non-polar, with cysteine, which is neutral and slightly polar, at codon 336 of the RB1 protein (p.Phe336Cys). This variant is not present in population databases (gnomAD no frequency). In summary, the available evidence is currently insufficient to determine the role of this variant in disease. Therefore, it has been classified as a Variant of Uncertain Significance. Advanced modeling of protein sequence and biophysical properties (such as structural, functional, and spatial information, amino acid conservation, physicochemical variation, residue mobility, and thermodynamic stability) performed at Invitae indicates that this missense variant is expected to disrupt RB1 protein function. This variant has not been reported in the literature in individuals affected with RB1-related conditions.

NM_000321.3(RB1):c.1007T>G (p.Phe336Cys)

Gene: RB1 (RB transcriptional corepressor 1; plus strand). Cytogenetic location: 13q14.2.
Variant type: single nucleotide variant.
Coding change: c.1007T>G on transcript NM_000321.3 (MANE Select); coding-DNA position 1007, T replaced by G.
Protein change: p.Phe336Cys; replaces phenylalanine 336 with cysteine.
Molecular consequence: missense variant.
Genome position (GRCh38, 1-based): chr13:48,367,561, T>G. VCF-style: chr13-48367561-T-G. GRCh37 (hg19) VCF-style: chr13-48941697-T-G.
Other names: c.1007T>G, p.Phe336Cys (NM_001407165.1, NM_001407166.1); short protein forms F336C.
Identifiers: ClinVar variation 2450507 (VCV002450507.6), dbSNP rs2138121341, ClinGen allele CA388160795.